The following is an entry in ClinVar:

NM_020937.4(FANCM):c.2263T>C (p.Cys755Arg)

Gene: FANCM (FA complementation group M; plus strand). Cytogenetic location: 14q21.2.
Variant type: single nucleotide variant.
Coding change: c.2263T>C on transcript NM_020937.4 (MANE Select); coding-DNA position 2263, T replaced by C.
Protein change: p.Cys755Arg; replaces cysteine 755 with arginine.
Molecular consequence: missense variant.
Genome position (GRCh38, 1-based): chr14:45,173,157, T>C. VCF-style: chr14-45173157-T-C. GRCh37 (hg19) VCF-style: chr14-45642360-T-C.
Other names: c.2185T>C, p.Cys729Arg (NM_001308133.2); short protein forms C755R, C729R.
Identifiers: ClinVar variation 2735320 (VCV002735320.3), dbSNP rs2503173020, ClinGen allele CA389596800.
Genomic context (GRCh38, chr14:45,173,157, plus strand): 5'-GAATGGAGACTGTGGCAAGATCATCCTTTGCCTACACATCAAGTTGATCACTCAGATCGA[T>C]GCCGCCATTTTATAGGCCTTATGCAAATGATAGAGGGAATGAGACACGAAGAGGTGGGGT-3'
Protein context (NP_065988.1, residues 745-765): PTHQVDHSDR[Cys755Arg]RHFIGLMQMI

ClinVar aggregate classification (germline): Uncertain significance (1 of 4 stars; one submission).

Conditions:
Fanconi anemia (FA). Also called: Fanconi's anemia. Identifiers: Orphanet 84, MedGen C0015625, MeSH D005199, MONDO:0019391.

Submission:

Labcorp Genetics (formerly Invitae), Labcorp
Classification: Uncertain significance for Fanconi anemia. Last evaluated: 2023-07-03. Review status: criteria provided, single submitter. Criteria: Invitae Variant Classification Sherloc (09022015). Collection method: clinical testing. Allele origin: germline.
Comment: In summary, the available evidence is currently insufficient to determine the role of this variant in disease. Therefore, it has been classified as a Variant of Uncertain Significance. An algorithm developed to predict the effect of missense changes on protein structure and function (PolyPhen-2) suggests that this variant is likely to be disruptive. This variant has not been reported in the literature in individuals affected with FANCM-related conditions. This variant is not present in population databases (gnomAD no frequency). This sequence change replaces cysteine, which is neutral and slightly polar, with arginine, which is basic and polar, at codon 755 of the FANCM protein (p.Cys755Arg).